The following is an entry in ClinVar:

ClinVar aggregate classification (germline): Uncertain significance (1 of 4 stars; one submission).

Conditions:
Cardiovascular phenotype. Identifiers: MedGen CN230736.

gnomAD v4.1: 3 of 1,549,664 alleles (0.00019%); highest among the groups gnomAD compares: Admixed American, 0.002%; no homozygotes.

Submission:

Ambry Genetics
Classification: Uncertain significance for Cardiovascular phenotype. Last evaluated: 2024-03-21. Review status: criteria provided, single submitter. Criteria: Ambry Variant Classification Scheme 2023. Collection method: clinical testing. Allele origin: germline.
Comment: The p.T796A variant (also known as c.2386A>G), located in coding exon 1 of the ZNF469 gene, results from an A to G substitution at nucleotide position 2386. The threonine at codon 796 is replaced by alanine, an amino acid with similar properties. This amino acid position is conserved. In addition, this alteration is predicted to be tolerated by in silico analysis. Based on the available evidence, the clinical significance of this alteration remains unclear.

NM_001367624.2(ZNF469):c.2386A>G (p.Thr796Ala)

Gene: ZNF469 (zinc finger protein 469; plus strand). Cytogenetic location: 16q24.2.
Variant type: single nucleotide variant.
Coding change: c.2386A>G on transcript NM_001367624.2 (MANE Select); coding-DNA position 2386, A replaced by G.
Protein change: p.Thr796Ala; replaces threonine 796 with alanine.
Molecular consequence: missense variant.
Genome position (GRCh38, 1-based): chr16:88,429,856, A>G. VCF-style: chr16-88429856-A-G. GRCh37 (hg19) VCF-style: chr16-88496264-A-G.
Other names: NM_001127464.1:c.2386A>G; short protein forms T796A.
Identifiers: ClinVar variation 3258214 (VCV003258214.1).